The following is an entry in ClinVar:

NM_019032.6(ADAMTSL4):c.406del (p.Glu136fs)

Genes: ADAMTSL4 (ADAMTS like 4; plus strand), ADAMTSL4-AS2 (ADAMTSL4 antisense RNA 2; minus strand). Cytogenetic location: 1q21.2.
Variant type: Deletion.
Coding change: c.406del on transcript NM_019032.6 (MANE Select); coding-DNA position 406, one base deleted (G; older notation c.406delG).
Protein change: p.Glu136fs; shifts the reading frame from glutamic acid 136.
Molecular consequence: frameshift variant.
Genome position (GRCh38, 1-based): chr1:150,553,225, G deleted; the last of 2 consecutive G bases (chr1:150,553,224-150,553,225); deleting either gives the same sequence. VCF-style (leftmost placement, unchanged base first): chr1-150553223-AG-A. GRCh37 (hg19) VCF-style: chr1-150525699-AG-A.
Other names: c.406del, p.Glu136fs (NM_001288607.2, NM_001288608.2, NM_001378596.1 and 1 more transcripts); short protein forms E136fs.
Identifiers: ClinVar variation 1932133 (VCV001932133.5), dbSNP rs1671620332, ClinGen allele CA2479209047.

ClinVar aggregate classification (germline): Pathogenic (1 of 4 stars; one submission).

Submission:

Labcorp Genetics (formerly Invitae), Labcorp
Classification: Pathogenic. Last evaluated: 2024-06-05. Review status: criteria provided, single submitter. Criteria: Invitae Variant Classification Sherloc (09022015). Collection method: clinical testing. Allele origin: germline.
Comment: This sequence change creates a premature translational stop signal (p.Glu136Argfs*50) in the ADAMTSL4 gene. It is expected to result in an absent or disrupted protein product. Loss-of-function variants in ADAMTSL4 are known to be pathogenic (PMID: 20564469, 28642162). This variant is not present in population databases (gnomAD no frequency). This variant has not been reported in the literature in individuals affected with ADAMTSL4-related conditions. ClinVar contains an entry for this variant (Variation ID: 1932133). For these reasons, this variant has been classified as Pathogenic.

Literature cited by the submitters: PubMed 20564469; PubMed 28642162.